The following is an entry in ClinVar:

NM_133497.4(KCNV2):c.1328C>T (p.Thr443Ile)

Gene: KCNV2 (potassium voltage-gated channel modifier subfamily V member 2; plus strand). Cytogenetic location: 9p24.2.
Variant type: single nucleotide variant.
Coding change: c.1328C>T on transcript NM_133497.4 (MANE Select); coding-DNA position 1328, C replaced by T.
Protein change: p.Thr443Ile; replaces threonine 443 with isoleucine.
Molecular consequence: missense variant.
Genome position (GRCh38, 1-based): chr9:2,719,067, C>T. VCF-style: chr9-2719067-C-T. GRCh37 (hg19) VCF-style: chr9-2719067-C-T.
Other names: short protein forms T443I.
Identifiers: ClinVar variation 1918872 (VCV001918872.3), dbSNP rs750012815, ClinGen allele CA4965858.

ClinVar aggregate classification (germline): Uncertain significance (1 of 4 stars; one submission).

Allele frequency attached by ClinVar (database versions not stated): TOPMed below 0.00001; ExAC 0.00001; gnomAD 0.00001.

Submission:

Labcorp Genetics (formerly Invitae), Labcorp
Classification: Uncertain significance. Last evaluated: 2022-10-19. Review status: criteria provided, single submitter. Criteria: Invitae Variant Classification Sherloc (09022015). Collection method: clinical testing. Allele origin: germline.
Comment: In summary, the available evidence is currently insufficient to determine the role of this variant in disease. Therefore, it has been classified as a Variant of Uncertain Significance. Advanced modeling of protein sequence and biophysical properties (such as structural, functional, and spatial information, amino acid conservation, physicochemical variation, residue mobility, and thermodynamic stability) performed at Invitae indicates that this missense variant is not expected to disrupt KCNV2 protein function. This variant has not been reported in the literature in individuals affected with KCNV2-related conditions. This variant is present in population databases (rs750012815, gnomAD 0.0009%). This sequence change replaces threonine, which is neutral and polar, with isoleucine, which is neutral and non-polar, at codon 443 of the KCNV2 protein (p.Thr443Ile).